The following is an entry in ClinVar:

ClinVar aggregate classification (germline): Likely benign. Review status: criteria provided, multiple submitters, no conflicts (2 of 4 stars). 2 submissions from 2 submitters: Likely benign (2). Last evaluated 2025-01-29.

Conditions:
CRB2-related disorder. Also called: CRB2-related condition; CRB2-related disorders.

gnomAD v4.1: 5 of 1,465,404 alleles (0.00034%); highest among the groups gnomAD compares: South Asian, 0.0013%; no homozygotes.

Submissions (2):

Labcorp Genetics (formerly Invitae), Labcorp
Classification: Likely benign. Last evaluated: 2025-01-29. Review status: criteria provided, single submitter. Criteria: Invitae Variant Classification Sherloc (09022015). Collection method: clinical testing. Allele origin: germline.

PreventionGenetics, part of Exact Sciences
Classification: Likely benign for CRB2-related condition. Last evaluated: 2024-12-26. Review status: criteria provided, single submitter. Criteria: ACMG Guidelines, 2015. Collection method: clinical testing. Allele origin: germline.
Comment: This variant is classified as likely benign based on ACMG/AMP sequence variant interpretation guidelines (Richards et al. 2015 PMID: 25741868, with internal and published modifications).

NM_173689.7(CRB2):c.2775C>A (p.Arg925=)

Gene: CRB2 (crumbs cell polarity complex component 2; plus strand). Cytogenetic location: 9q33.3.
Variant type: single nucleotide variant.
Coding change: c.2775C>A on transcript NM_173689.7 (MANE Select); coding-DNA position 2775, C replaced by A.
Protein change: p.Arg925=; no amino-acid change (arginine 925 retained).
Molecular consequence: synonymous variant. On other transcripts: non-coding transcript variant (1).
Genome position (GRCh38, 1-based): chr9:123,373,306, C>A. VCF-style: chr9-123373306-C-A. GRCh37 (hg19) VCF-style: chr9-126135585-C-A.
Other names: c.2775C>A (NM_173689.6).
Identifiers: ClinVar variation 3605435 (VCV003605435.3).